The following is an entry in ClinVar:

NM_000152.5(GAA):c.1326+459C>T

Gene: GAA (alpha glucosidase; plus strand). Cytogenetic location: 17q25.3.
Variant type: single nucleotide variant.
Coding change: c.1326+459C>T on transcript NM_000152.5 (MANE Select); 459 bases into the intron after coding-DNA position 1326, C replaced by T.
Molecular consequence: intron variant.
Genome position (GRCh38, 1-based): chr17:80,109,287, C>T. VCF-style: chr17-80109287-C-T. GRCh37 (hg19) VCF-style: chr17-78083086-C-T.
Other names: c.1326+459C>T (NM_001406741.1, NM_001406742.1, NM_001079803.3 and 1 more transcripts).
Identifiers: ClinVar variation 4876570 (VCV004876570.1).

ClinVar aggregate classification (germline): Likely benign (1 of 4 stars; one submission).

Conditions:
Glycogen storage disease, type II (IOPD). Also called: Pompe Disease; CARDIOMEGALIA GLYCOGENICA DIFFUSA; GLYCOGENOSIS, GENERALIZED, CARDIAC FORM; GSD II; POMPE DISEASE, INFANTILE-ONSET; GLYCOGEN STORAGE DISEASE II, INFANTILE-ONSET. Identifiers: Orphanet 365, MedGen C0017921, MONDO:0009290, OMIM 232300.

gnomAD v4.1: 741 of 152,278 alleles (0.49%); highest among the groups gnomAD compares: East Asian, 6.3%; 14 homozygotes.

Submission:

Genomenon, Inc
Classification: Likely benign for Glycogen storage disease, type II. Last evaluated: 2026-07-01. Review status: criteria provided, single submitter. Criteria: Genomenon Sequence Variant Interpretation Standards - Updated. Collection method: curation. Allele origin: germline. Affected: no.
Comment: GAA c.1326+459C>T is an intronic variant located in intron 8. This variant has been reported in the published literature (PMID:33560568). This variant is not predicted to impact splicing. This variant’s allele frequency in gnomAD is greater than expected for this disorder. In conclusion, we classify GAA c.1326+459C>T as a likely benign variant.

Literature cited by the submitters: PubMed 33560568.